The following is an entry in ClinVar:

NM_001042492.3(NF1):c.3494T>A (p.Ile1165Lys)

Gene: NF1 (neurofibromin 1; plus strand). Cytogenetic location: 17q11.2.
Variant type: single nucleotide variant.
Coding change: c.3494T>A on transcript NM_001042492.3 (MANE Select); coding-DNA position 3494, T replaced by A.
Protein change: p.Ile1165Lys; replaces isoleucine 1165 with lysine.
Molecular consequence: missense variant.
Genome position (GRCh38, 1-based): chr17:31,232,879, T>A. VCF-style: chr17-31232879-T-A. GRCh37 (hg19) VCF-style: chr17-29559897-T-A.
Other names: c.3494T>A, p.Ile1165Lys (NM_000267.4); short protein forms I1165K.
Identifiers: ClinVar variation 188312 (VCV000188312.5), dbSNP rs786204211, ClinGen allele CA334585.

ClinVar aggregate classification (germline): Pathogenic (1 of 4 stars; one submission).

Conditions:
Neurofibromatosis, type 1 (NF1). Also called: NEUROFIBROMATOSIS, TYPE I, SOMATIC; VON RECKLINGHAUSEN DISEASE; Peripheral type neurofibromatosis; Neurofibromatosis, type I. Identifiers: Orphanet 636, MedGen C0027831, MONDO:0018975, OMIM 162200. Disease mechanism: loss of function.

Submission:

Labcorp Genetics (formerly Invitae), Labcorp
Classification: Pathogenic for Neurofibromatosis, type 1. Last evaluated: 2018-01-20. Review status: criteria provided, single submitter. Criteria: Invitae Variant Classification Sherloc (09022015). Collection method: clinical testing. Allele origin: germline.
Comment: This sequence change replaces isoleucine with lysine at codon 1165 of the NF1 protein (p.Ile1165Lys). The isoleucine residue is moderately conserved and there is a moderate physicochemical difference between isoleucine and lysine. A different missense substitution at this codon (p.Ile1165Thr) has been reported in several individuals affected with neurofibromatosis, type 1 (PMID: 23656349, 21520333). For these reasons, this variant has been classified as Pathogenic. Algorithms developed to predict the effect of missense changes on protein structure and function do not agree on the potential impact of this missense change (SIFT: "Deleterious"; PolyPhen-2: "Probably Damaging"; Align-GVGD: "Class C0"). ClinVar contains an entry for this variant (Variation ID: 188312). This variant is not present in population databases (ExAC no frequency).

Literature cited by the submitters: PubMed 23656349; PubMed 21520333.